The following is an entry in ClinVar:

NM_001130823.3(DNMT1):c.4374C>T (p.Ile1458=)

Gene: DNMT1 (DNA methyltransferase 1; minus strand). Cytogenetic location: 19p13.2.
Variant type: single nucleotide variant.
Coding change: c.4374C>T on transcript NM_001130823.3 (MANE Select); coding-DNA position 4374, C replaced by T.
Protein change: p.Ile1458=; no amino-acid change (isoleucine 1458 retained).
Molecular consequence: synonymous variant.
Genome position (GRCh38, 1-based): chr19:10,137,200, G>A on the plus strand (C>T on the coding strand, the complement: DNMT1 is on the minus strand). VCF-style: chr19-10137200-G-A. GRCh37 (hg19) VCF-style: chr19-10247876-G-A.
Other names: c.4326C>T, p.Ile1442= (NM_001318730.2, NM_001379.4); c.4011C>T, p.Ile1337= (NM_001318731.2).
Identifiers: ClinVar variation 4989017 (VCV004989017.1).

ClinVar aggregate classification (germline): Likely benign (1 of 4 stars; one submission).

Conditions:
DNMT1-related disorder. Also called: DNMT1-related condition. Identifiers: MedGen CN381527.

gnomAD v4.1: 9 of 1,610,984 alleles (0.00056%); highest among the groups gnomAD compares: Non-Finnish European, 0.00034%; no homozygotes.

Submission:

PreventionGenetics, part of Exact Sciences
Classification: Likely benign for DNMT1-related condition. Last evaluated: 2026-09-12. Review status: criteria provided, single submitter. Criteria: ACMG Guidelines, 2015. Collection method: clinical testing. Allele origin: germline.
Comment: This variant is classified as likely benign based on ACMG/AMP sequence variant interpretation guidelines (Richards et al. 2015 PMID: 25741868, with internal and published modifications).